The following is an entry in ClinVar:

NM_001793.6(CDH3):c.1869C>A (p.Asp623Glu)

Gene: CDH3 (cadherin 3; plus strand). Cytogenetic location: 16q22.1.
Variant type: single nucleotide variant.
Coding change: c.1869C>A on transcript NM_001793.6 (MANE Select); coding-DNA position 1869, C replaced by A.
Protein change: p.Asp623Glu; replaces aspartic acid 623 with glutamic acid.
Molecular consequence: missense variant.
Genome position (GRCh38, 1-based): chr16:68,691,793, C>A. VCF-style: chr16-68691793-C-A. GRCh37 (hg19) VCF-style: chr16-68725696-C-A.
Other names: c.1869C>A, p.Asp623Glu (NM_001317195.3); c.1704C>A, p.Asp568Glu (NM_001317196.2); short protein forms D568E, D623E.
Identifiers: ClinVar variation 1718634 (VCV001718634.5), dbSNP rs1961582483, ClinGen allele CA396455576.
Genomic context (GRCh38, chr16:68,691,793, plus strand): 5'-CTTGTCCCTGAAGAAGTTCCTGAAGCAGGATACATATGACGTGCACCTTTCTCTGTCTGA[C>A]CATGGCAACAAAGAGCAGCTGACGGTGATCAGGGCCACTGTGTGCGACTGCCATGGCCAT-3'
Protein context (NP_001784.2, residues 613-633): DTYDVHLSLS[Asp623Glu]HGNKEQLTVI

ClinVar aggregate classification (germline): Uncertain significance (1 of 4 stars; one submission).

Submission:

Labcorp Genetics (formerly Invitae), Labcorp
Classification: Uncertain significance. Last evaluated: 2023-11-27. Review status: criteria provided, single submitter. Criteria: Invitae Variant Classification Sherloc (09022015). Collection method: clinical testing. Allele origin: germline.
Comment: This sequence change replaces aspartic acid, which is acidic and polar, with glutamic acid, which is acidic and polar, at codon 623 of the CDH3 protein (p.Asp623Glu). This variant is not present in population databases (gnomAD no frequency). This variant has not been reported in the literature in individuals affected with CDH3-related conditions. ClinVar contains an entry for this variant (Variation ID: 1718634). Advanced modeling of protein sequence and biophysical properties (such as structural, functional, and spatial information, amino acid conservation, physicochemical variation, residue mobility, and thermodynamic stability) performed at Invitae indicates that this missense variant is expected to disrupt CDH3 protein function with a positive predictive value of 80%. In summary, the available evidence is currently insufficient to determine the role of this variant in disease. Therefore, it has been classified as a Variant of Uncertain Significance.